The following is an entry in ClinVar:

ClinVar aggregate classification (germline): Uncertain significance (0 of 4 stars; one submission).

Conditions:
PRR12-related disorder. Also called: PRR12-related condition.

gnomAD v4.1: 1 of 1,546,964 alleles (0.000065%); highest among the groups gnomAD compares: East Asian, 0.0024%; no homozygotes.

Submission:

PreventionGenetics, part of Exact Sciences
Classification: Uncertain significance for PRR12-related condition. Last evaluated: 2024-09-23. Review status: no assertion criteria provided. Collection method: clinical testing. Allele origin: germline.
Comment: The PRR12 c.4588C>G variant is predicted to result in the amino acid substitution p.Pro1530Ala. To our knowledge, this variant has not been reported in the literature or in a large population database, indicating this variant is rare. At this time, the clinical significance of this variant is uncertain due to the absence of conclusive functional and genetic evidence.

NM_020719.3(PRR12):c.4588C>G (p.Pro1530Ala)

Gene: PRR12 (proline rich 12; plus strand). Cytogenetic location: 19q13.33.
Variant type: single nucleotide variant.
Coding change: c.4588C>G on transcript NM_020719.3 (MANE Select); coding-DNA position 4588, C replaced by G.
Protein change: p.Pro1530Ala; replaces proline 1530 with alanine.
Molecular consequence: missense variant.
Genome position (GRCh38, 1-based): chr19:49,601,733, C>G. VCF-style: chr19-49601733-C-G. GRCh37 (hg19) VCF-style: chr19-50104990-C-G.
Other names: short protein forms P1530A.
Identifiers: ClinVar variation 2637414 (VCV002637414.2), dbSNP rs1013621665, ClinGen allele CA309483514.